The following is an entry in ClinVar:

ClinVar aggregate classification (germline): Pathogenic/Likely pathogenic. Review status: criteria provided, multiple submitters, no conflicts (2 of 4 stars). 9 submissions from 9 submitters: Pathogenic (6); Likely pathogenic (2). 1 of the submissions does not count toward it. Last evaluated 2026-06-30.

Conditions:
Developmental and epileptic encephalopathy, 77. Also called: EPILEPTIC ENCEPHALOPATHY, EARLY INFANTILE, 77; GLYCOSYLPHOSPHATIDYLINOSITOL BIOSYNTHESIS DEFECT 19; MULTIPLE CONGENITAL ANOMALIES-HYPOTONIA-SEIZURES SYNDROME 4. Identifiers: MedGen C5231405, MONDO:0032808, OMIM 618548.
Inborn genetic diseases. Identifiers: MedGen C0950123, MeSH D030342.
Epilepsy. Also called: Seizure disorder. Identifiers: MedGen C0014544, MeSH D004827, MONDO:0005027.
PIGQ-related disorder. Also called: PIGQ-related condition.

Allele frequency attached by ClinVar (database versions not stated): TOPMed 0.00004; ExAC 0.00005; gnomAD exomes 0.00006; 1000 Genomes Project 0.00040; 1000 Genomes Project 30x 0.00062.

Submissions (9):

PreventionGenetics, part of Exact Sciences
Classification: Pathogenic for PIGQ-related condition. Last evaluated: 2026-06-30. Review status: criteria provided, single submitter. Criteria: ACMG Guidelines, 2015. Collection method: clinical testing. Allele origin: germline.
Comment: The PIGQ c.942+1G>A variant is predicted to disrupt the GT donor site and interfere with normal splicing. This variant has been reported in the compound heterozygous state in several individuals with multiple congenital anomalies-hypotonia-seizures syndrome-4 (Table S2, Johnstone et al. 2020. PubMed ID: 32588908; Burstein et al. 2021. PubMed ID: 32746448; Table S2, Sidpra et al. 2024. PubMed ID: 38456468). This variant is reported in 0.024% of alleles in individuals of Latino descent in gnomAD, and is interpreted as likely pathogenic/pathogenic in the ClinVar database (Variation ID: 453003). Variants that disrupt the consensus splice donor site in PIGQ are expected to be pathogenic. This variant is interpreted as pathogenic.

Labcorp Genetics (formerly Invitae), Labcorp
Classification: Pathogenic for Epilepsy. Last evaluated: 2026-01-01. Review status: criteria provided, single submitter. Criteria: Invitae Variant Classification Sherloc (09022015). Collection method: clinical testing. Allele origin: germline.
Comment: This sequence change affects a donor splice site in intron 4 of the PIGQ gene. It is expected to disrupt RNA splicing. Variants that disrupt the donor or acceptor splice site typically lead to a loss of protein function (PMID: 16199547), and loss-of-function variants in PIGQ are known to be pathogenic (PMID: 24463883, 25558065). The frequency data for this variant in the population databases is considered unreliable, as metrics indicate poor data quality at this position in the gnomAD database. Disruption of this splice site has been observed in individual(s) with PIGQ-related conditions (PMID: 32588908). In at least one individual the data is consistent with being in trans (on the opposite chromosome) from a pathogenic variant. ClinVar contains an entry for this variant (Variation ID: 453003). Algorithms developed to predict the effect of sequence changes on RNA splicing suggest that this variant may disrupt the consensus splice site. For these reasons, this variant has been classified as Pathogenic.

GeneDx
Classification: Pathogenic. Last evaluated: 2025-09-18. Review status: criteria provided, single submitter. Criteria: GeneDx Variant Classification Process June 2021. Collection method: clinical testing. Allele origin: germline. Affected: yes.
Comment: Observed with another PIGQ variant on the opposite allele (in trans) in a patient with pediatric cardiomyopathy, however, further clinical information was not provided (PMID: 37923198); Canonical splice site variant predicted to result in a null allele in a gene for which loss of function is a known mechanism of disease; This variant is associated with the following publications: (PMID: 38456468, 32746448, 32588908, Kukov2025[CaseReport], 37923198)

Daryl Scott Lab, Baylor College of Medicine
Classification: Pathogenic for Developmental and epileptic encephalopathy, 77. Last evaluated: 2024-01-01. Review status: criteria provided, single submitter. Criteria: ACMG Guidelines, 2015. Collection method: clinical testing. Allele origin: paternal. Affected: yes. Observed: 1 heterozygote.
Comment: PVS1, PS4, PM2, PM3

Women's Health and Genetics/Laboratory Corporation of America, LabCorp
Classification: Likely pathogenic for Developmental and epileptic encephalopathy, 77. Last evaluated: 2023-03-23. Review status: criteria provided, single submitter. Criteria: LabCorp Variant Classification Summary - May 2015. Collection method: clinical testing. Allele origin: germline.
Comment: Variant summary: PIGQ c.942+1G>A is located in a canonical splice-site and is predicted to affect mRNA splicing resulting in a significantly altered protein due to either exon skipping, shortening, or inclusion of intronic material. The variant allele was found at a frequency of 5.7e-05 in 158484 control chromosomes (gnomAD). One in silico tool predicts damaging effect on splicing for this variant (TraP Score: 0.9). However, these predictions have not been tested experimentally. c.942+1G>A has been reported in the literature in individuals affected with PIGQ related conditions (example: Johnstone_2020 and Burstein_PR_2021). These data indicate that the variant may be associated with disease. To our knowledge, no experimental evidence demonstrating an impact on protein function has been reported. Four clinical diagnostic laboratories have submitted clinical-significance assessments for this variant to ClinVar after 2014 and all classified the variant as pathogenic/likely pathogenic. Based on the evidence outlined above, the variant was classified as likely pathogenic.

Blueprint Genetics
Classification: Pathogenic for PIGQ-related disorders. Last evaluated: 2022-10-24. Review status: criteria provided, single submitter. Criteria: ACMG Guidelines, 2015. Collection method: clinical testing. Allele origin: germline. Affected: yes. Observed: 4 variant alleles.

Ambry Genetics
Classification: Pathogenic for Inborn genetic diseases. Last evaluated: 2021-07-27. Review status: criteria provided, single submitter. Criteria: Ambry Variant Classification Scheme 2023. Collection method: clinical testing. Allele origin: germline.
Comment: The c.942+1G>A intronic alteration consists of a G to A substitution one nucleotide after exon 4 (coding exon 3) of the PIGQ gene. Alterations that disrupt the canonical splice site are expected to cause aberrant splicing, resulting in an abnormal protein or a transcript that is subject to nonsense-mediated mRNA decay. Based on data from gnomAD, the A allele has an overall frequency of 0.01% (9/158484) total alleles studied. The highest observed frequency was 0.02% (6/25454) of Latino alleles. The c.942+1G>A alteration has been described in trans with a second disease-causing alteration in a patient with seizures, developmental delay, truncal hypotonia, abnormal movements, feeding issues, facial dysmorphism, and anomalies of the skeletal, ophthalmological, cardiac, gastrointestinal, and genitourinary systems (Johnstone, 2020). This amino acid position is highly conserved in available vertebrate species. In silico splice site analysis predicts that this alteration will weaken the native splice donor site. Based on the available evidence, this alteration is classified as pathogenic.

Undiagnosed Diseases Network, NIH
Classification: Likely pathogenic for PIGQ-related condition. Last evaluated: 2018-05-25. Review status: criteria provided, single submitter. Criteria: ACMG Guidelines, 2015. Collection method: clinical testing. Allele origin: paternal. Inheritance: Autosomal recessive inheritance. Affected: yes. Observed: 1 variant allele, 1 compound heterozygote.

OMIM
Classification: Pathogenic for MULTIPLE CONGENITAL ANOMALIES-HYPOTONIA-SEIZURES SYNDROME 4. Last evaluated: 2021-01-26. Review status: no assertion criteria provided. Collection method: literature only. Allele origin: germline. Not counted in ClinVar's aggregate classification.

Literature cited by the submitters: PubMed 16199547 (cited by Labcorp Genetics (formerly Invitae), Labcorp); PubMed 24463883 (cited by Labcorp Genetics (formerly Invitae), Labcorp); PubMed 25558065 (cited by Labcorp Genetics (formerly Invitae), Labcorp); PubMed 32588908 (cited by 4 submitters); PubMed 32746448 (cited by Women's Health and Genetics/Laboratory Corporation of America, LabCorp).

NM_004204.5(PIGQ):c.942+1G>A

Gene: PIGQ (phosphatidylinositol glycan anchor biosynthesis class Q; plus strand). Cytogenetic location: 16p13.3.
Variant type: single nucleotide variant.
Coding change: c.942+1G>A on transcript NM_004204.5 (MANE Select); the canonical splice donor site of the intron after coding-DNA position 942, G replaced by A.
Molecular consequence: splice donor variant.
Genome position (GRCh38, 1-based): chr16:576,255, G>A. VCF-style: chr16-576255-G-A. GRCh37 (hg19) VCF-style: chr16-626255-G-A.
Other names: IVS4DS, G-A, +1; c.942+1G>A (NM_148920.4).
Identifiers: ClinVar variation 453003 (VCV000453003.25), dbSNP rs200661329, ClinGen allele CA7780032.